The following is an entry in ClinVar:

NM_006231.4(POLE):c.1380_1381del (p.Ser461fs)

Gene: POLE (DNA polymerase epsilon, catalytic subunit; minus strand). Cytogenetic location: 12q24.33.
Variant type: Microsatellite.
Coding change: c.1380_1381del on transcript NM_006231.4 (MANE Select); coding-DNA positions 1380 to 1381, 2 bases deleted (GT; older notation c.1380_1381delGT).
Protein change: p.Ser461fs; shifts the reading frame from serine 461.
Molecular consequence: frameshift variant.
Genome position (GRCh38, 1-based): chr12:132,673,256-132,673,257, AC deleted on the plus strand (GT on the coding strand, the reverse complement: POLE is on the minus strand); deleting any 2 consecutive bases within chr12:132,673,256-132,673,260 gives the same sequence; the c. name uses the placement nearest the transcript's 3' end. VCF-style (leftmost placement, unchanged base first): chr12-132673255-GAC-G. GRCh37 (hg19) VCF-style: chr12-133249841-GAC-G.
Other names: short protein forms S461fs.
Identifiers: ClinVar variation 2799329 (VCV002799329.3), dbSNP rs2042972296, ClinGen allele CA2073001660.

ClinVar aggregate classification (germline): Pathogenic (1 of 4 stars; one submission).

Submission:

Labcorp Genetics (formerly Invitae), Labcorp
Classification: Pathogenic. Last evaluated: 2022-11-22. Review status: criteria provided, single submitter. Criteria: Invitae Variant Classification Sherloc (09022015). Collection method: clinical testing. Allele origin: germline.
Comment: For these reasons, this variant has been classified as Pathogenic. This variant has not been reported in the literature in individuals affected with POLE-related conditions. This variant is not present in population databases (gnomAD no frequency). This sequence change creates a premature translational stop signal (p.Ser461Argfs*41) in the POLE gene. It is expected to result in an absent or disrupted protein product. Loss-of-function variants in POLE are known to be pathogenic (PMID: 23230001, 25948378, 30503519).

Literature cited by the submitters: PubMed 23230001; PubMed 25948378; PubMed 30503519.